The following is an entry in ClinVar:

NM_001365951.3(KIF1B):c.3267del (p.Lys1089fs)

Gene: KIF1B (kinesin family member 1B; plus strand). Cytogenetic location: 1p36.22.
Variant type: Deletion.
Coding change: c.3267del on transcript NM_001365951.3 (MANE Select); coding-DNA position 3267, one base deleted (G; older notation c.3267delG).
Protein change: p.Lys1089fs; shifts the reading frame from lysine 1089.
Molecular consequence: frameshift variant.
Genome position (GRCh38, 1-based): chr1:10,337,378, G deleted. VCF-style (leftmost placement, unchanged base first): chr1-10337377-AG-A. GRCh37 (hg19) VCF-style: chr1-10397435-AG-A.
Other names: c.3267del, p.Lys1089fs (NM_001365952.1); c.3129del, p.Lys1043fs (NM_015074.3); c.3129delG (NM_015074.3); short protein forms K1043fs, K1089fs.
Identifiers: ClinVar variation 4844678 (VCV004844678.1).
Genomic context (GRCh38, chr1:10,337,377, plus strand): 5'-TCCCTCCTCTTTGCATTATTTGAACCATCTGTGTCTTCATTTGACCCTCTTTAGATTTGA[AG>A]TCAAGCACTTTGCTGGATGGTAAGATGGTAATGGAAGGGTTTTCTGAAGAGATTGGCAAC-3'

ClinVar aggregate classification (germline): Uncertain significance (1 of 4 stars; one submission).

Submission:

Ambry Genetics
Classification: Uncertain significance. Last evaluated: 2026-02-13. Review status: criteria provided, single submitter. Criteria: Ambry Variant Classification Scheme 2023. Collection method: clinical testing. Allele origin: germline.
Comment: The c.3129delG variant, located in coding exon 28 of the KIF1B gene, results from a deletion of one nucleotide at nucleotide position 3129, causing a translational frameshift with a predicted alternate stop codon (p.K1043Nfs*11). The evidence for this gene-disease relationship is limited; therefore, the clinical significance of this variant is unclear.